The following is an entry in ClinVar:

NM_021830.5(TWNK):c.586C>T (p.Arg196Ter)

Gene: TWNK (twinkle mtDNA helicase; plus strand). Cytogenetic location: 10q24.31.
Variant type: single nucleotide variant.
Coding change: c.586C>T on transcript NM_021830.5 (MANE Select); coding-DNA position 586, C replaced by T.
Protein change: p.Arg196Ter; replaces arginine 196 with a stop codon.
Molecular consequence: nonsense. On other transcripts: non-coding transcript variant (4), intron variant (3).
Genome position (GRCh38, 1-based): chr10:100,988,796, C>T. VCF-style: chr10-100988796-C-T. GRCh37 (hg19) VCF-style: chr10-102748553-C-T.
Other names: c.586C>T, p.Arg196Ter (NM_001163812.2); c.-119-848C>T (NM_001163814.2, NM_001163813.2); c.-57-910C>T (NM_001368275.1); short protein forms R196*.
Identifiers: ClinVar variation 4779841 (VCV004779841.1).

ClinVar aggregate classification (germline): Pathogenic (1 of 4 stars; one submission).

gnomAD v4.1: 5 of 1,614,070 alleles (0.00031%); highest among the groups gnomAD compares: Middle Eastern, 0.016%; no homozygotes.

Submission:

Labcorp Genetics (formerly Invitae), Labcorp
Classification: Pathogenic. Last evaluated: 2025-11-19. Review status: criteria provided, single submitter. Criteria: Invitae Variant Classification Sherloc (09022015). Collection method: clinical testing. Allele origin: germline.
Comment: This sequence change creates a premature translational stop signal (p.Arg196*) in the TWNK gene. It is expected to result in an absent or disrupted protein product. Loss-of-function variants in TWNK are known to be pathogenic (PMID: 21681116, 27551684, 31455392). This variant is present in population databases (no rsID available, gnomAD 0.004%). This variant has not been reported in the literature in individuals affected with TWNK-related conditions. For these reasons, this variant has been classified as Pathogenic.

Literature cited by the submitters: PubMed 21681116; PubMed 27551684; PubMed 31455392.